The following is an entry in ClinVar:

ClinVar aggregate classification (germline): Uncertain significance. Review status: criteria provided, multiple submitters, no conflicts (2 of 4 stars). 3 submissions from 3 submitters: Uncertain significance (3). Last evaluated 2024-10-03.

Conditions:
Spastic paraplegia. Identifiers: MedGen C0037772, HP:0001258.
Hereditary spastic paraplegia 15 (SPG15). Also called: SPASTIC PARAPLEGIA AND RETINAL DEGENERATION; SPASTIC PARAPLEGIA 15, AUTOSOMAL RECESSIVE; KJELLIN SYNDROME. Identifiers: Orphanet 100996, MedGen C1849128, MONDO:0010044, OMIM 270700.
Inborn genetic diseases. Identifiers: MedGen C0950123, MeSH D030342.

Allele frequency attached by ClinVar (database versions not stated): gnomAD exomes 0.00001; TOPMed 0.00001; ExAC 0.00002.
gnomAD v4.1: 20 of 1,614,178 alleles (0.0012%); highest among the groups gnomAD compares: Middle Eastern, 0.082%; no homozygotes.

Submissions (3):

Labcorp Genetics (formerly Invitae), Labcorp
Classification: Uncertain significance for Spastic paraplegia. Last evaluated: 2024-10-03. Review status: criteria provided, single submitter. Criteria: Invitae Variant Classification Sherloc (09022015). Collection method: clinical testing. Allele origin: germline.
Comment: This sequence change replaces serine, which is neutral and polar, with arginine, which is basic and polar, at codon 2087 of the ZFYVE26 protein (p.Ser2087Arg). This variant is present in population databases (rs762604883, gnomAD 0.003%). This variant has not been reported in the literature in individuals affected with ZFYVE26-related conditions. ClinVar contains an entry for this variant (Variation ID: 576204). An algorithm developed to predict the effect of missense changes on protein structure and function (PolyPhen-2) suggests that this variant¬†is likely to be tolerated. In summary, the available evidence is currently insufficient to determine the role of this variant in disease. Therefore, it has been classified as a Variant of Uncertain Significance.

Ambry Genetics
Classification: Uncertain significance for Inborn genetic diseases. Last evaluated: 2023-12-28. Review status: criteria provided, single submitter. Criteria: Ambry Variant Classification Scheme 2023. Collection method: clinical testing. Allele origin: germline.

Illumina Laboratory Services, Illumina
Classification: Uncertain significance for Hereditary spastic paraplegia 15. Last evaluated: 2018-01-13. Review status: criteria provided, single submitter. Criteria: ICSL Variant Classification Criteria 13 December 2019. Collection method: clinical testing. Allele origin: germline.

NM_015346.4(ZFYVE26):c.6261T>G (p.Ser2087Arg)

Gene: ZFYVE26 (zinc finger FYVE-type containing 26; minus strand). Cytogenetic location: 14q24.1.
Variant type: single nucleotide variant.
Coding change: c.6261T>G on transcript NM_015346.4 (MANE Select); coding-DNA position 6261, T replaced by G.
Protein change: p.Ser2087Arg; replaces serine 2087 with arginine.
Molecular consequence: missense variant.
Genome position (GRCh38, 1-based): chr14:67,762,311, A>C on the plus strand (T>G on the coding strand, the complement: ZFYVE26 is on the minus strand). VCF-style: chr14-67762311-A-C. GRCh37 (hg19) VCF-style: chr14-68229028-A-C.
Other names: short protein forms S2087R.
Identifiers: ClinVar variation 576204 (VCV000576204.8), dbSNP rs762604883, ClinGen allele CA7239272.
Genomic context (GRCh38, chr14:67,762,311, plus strand): 5'-CTGCACCAGCCTTGAGCCATGATTCAGCTGATTGAGGTCAAATGGGGGCTTCAGACAGCG[A>C]CTGAACTTCTCCCGTGCAGCAGTGAGGTTCCCGGCTTTGAGGCAGGCCATGCCCCAAGCA-3'
Protein context (NP_056161.2, residues 2077-2097): GNLTAAREKF[Ser2087Arg]RCLKPPFDLN